The following is an entry in ClinVar:

NM_001376.5(DYNC1H1):c.12423G>A (p.Ala4141=)

Gene: DYNC1H1 (dynein cytoplasmic 1 heavy chain 1; plus strand). Cytogenetic location: 14q32.31.
Variant type: single nucleotide variant.
Coding change: c.12423G>A on transcript NM_001376.5 (MANE Select); coding-DNA position 12423, G replaced by A.
Protein change: p.Ala4141=; no amino-acid change (alanine 4141 retained).
Molecular consequence: synonymous variant.
Genome position (GRCh38, 1-based): chr14:102,042,658, G>A. VCF-style: chr14-102042658-G-A. GRCh37 (hg19) VCF-style: chr14-102508995-G-A.
Identifiers: ClinVar variation 539787 (VCV000539787.17), dbSNP rs757449756, ClinGen allele CA7353931.

ClinVar aggregate classification (germline): Conflicting classifications of pathogenicity. Review status: criteria provided, conflicting classifications (1 of 4 stars). 4 submissions from 4 submitters: Uncertain significance (1); Likely benign (3). Last evaluated 2025-12-30.

Conditions:
DYNC1H1-related disorder. Also called: DYNC1H1-related condition; DYNC1H1-related disorders. Identifiers: MedGen CN381529.
Charcot-Marie-Tooth disease axonal type 2O. Also called: Charcot-Marie-Tooth Neuropathy Type 2O; CHARCOT-MARIE-TOOTH NEUROPATHY, AXONAL, TYPE 2O; CHARCOT-MARIE-TOOTH DISEASE, AXONAL, AUTOSOMAL DOMINANT, TYPE 2O; Charcot-Marie-Tooth disease, axonal, type 20. Identifiers: Orphanet 284232, MedGen C3280220, MONDO:0013644, OMIM 614228.

Allele frequency attached by ClinVar (database versions not stated): ExAC 0.00001; gnomAD 0.00001; TOPMed 0.00001; gnomAD exomes 0.00002.
gnomAD v4.1: 32 of 1,614,028 alleles (0.002%); highest among the groups gnomAD compares: Middle Eastern, 0.016%; no homozygotes.

Submissions (4):

PreventionGenetics, part of Exact Sciences
Classification: Uncertain significance for DYNC1H1-related condition. Last evaluated: 2025-12-30. Review status: criteria provided, single submitter. Criteria: ACMG Guidelines, 2015. Collection method: clinical testing. Allele origin: germline.
Comment: The DYNC1H1 c.12423G>A variant is not predicted to result in an amino acid change (p.=). To our knowledge, this variant has not been reported in the literature. This variant is reported in 0.0040% of alleles in individuals of African descent in gnomAD. At this time, the clinical significance of this variant is uncertain due to the absence of conclusive functional and genetic evidence.

CeGaT Center for Human Genetics Tuebingen
Classification: Likely benign. Last evaluated: 2025-09-01. Review status: criteria provided, single submitter. Criteria: CeGaT Center For Human Genetics Tuebingen Variant Classification Criteria Version 2. Collection method: clinical testing. Allele origin: germline. Affected: yes. Observed: 1 variant allele.
Comment: DYNC1H1: BP4, BS2

Blueprint Genetics
Classification: Likely benign. Last evaluated: 2024-03-08. Review status: criteria provided, single submitter. Criteria: ACMG Guidelines, 2015. Collection method: clinical testing. Allele origin: germline.

Labcorp Genetics (formerly Invitae), Labcorp
Classification: Likely benign for Charcot-Marie-Tooth disease axonal type 2O. Last evaluated: 2023-11-12. Review status: criteria provided, single submitter. Criteria: Invitae Variant Classification Sherloc (09022015). Collection method: clinical testing. Allele origin: germline.